The following is an entry in ClinVar:

ClinVar aggregate classification (germline): Pathogenic. Review status: reviewed by expert panel (3 of 4 stars). 34 submissions from 34 submitters: Pathogenic (1). 33 of the submissions do not count toward it. Last evaluated 2017-04-03.

Conditions:
SOS1-related disorder. Also called: SOS1-related condition.
Cardiovascular phenotype. Identifiers: MedGen CN230736.
RASopathy. Also called: rasopathies; Noonan spectrum disorder. Identifiers: Orphanet 536391, MedGen C5555857, MONDO:0021060.
Noonan syndrome 4 (NS4). Also called: SOS1-Related Noonan Syndrome; NOONAN SYNDROME WITH PIGMENTED VILLONODULAR SYNOVITIS. Identifiers: Orphanet 648, MedGen C1853120, MONDO:0012547, OMIM 610733.
Fibromatosis, gingival, 1 (GINGF1). Identifiers: Orphanet 2024, MedGen C4551558, MONDO:0007609, OMIM 135300.
Noonan syndrome (NS). Also called: Noonan's syndrome. Identifiers: Orphanet 648, MedGen C0028326, MeSH D009634, MONDO:0018997. Disease mechanism: gain of function.

Allele frequency attached by ClinVar (database versions not stated): gnomAD exomes below 0.00001.
gnomAD v4.1: 3 of 1,613,760 alleles (0.00019%); highest among the groups gnomAD compares: Non-Finnish European, 0.00025%; no homozygotes.

Submissions 1 to 7 of 34:

ClinGen RASopathy Variant Curation Expert Panel
Classification: Pathogenic for Noonan syndrome. Last evaluated: 2017-04-03. Review status: reviewed by expert panel. Criteria: ClinGen RASopathy ACMG Specifications v1. Collection method: curation. Allele origin: germline. Inheritance: Autosomal dominant inheritance.
Comment: The c.1654A>G (p.Arg552Gly) variant in SOS1 has been reported as a confirmed de novo occurrence in at least 2 patients with clinical features of a RASopathy (PS2_VeryStrong; PMID 17143282). This variant was absent from large population studies (PM2; ExAC). In vitro functional studies provide some evidence that the p.Arg552Gly variant may impact protein function (PS3; PMID: 17143282). The variant is located in the SOS1 gene, which has been defined by the ClinGen RASopathy Expert Panel as a gene with a low rate of benign missense variants and pathogenic missense variants are common (PP2; PMID: 29493581). Furthermore, the variant is in a location that has been defined by the ClinGen RASopathy Expert Panel to be a mutational hotspot or domain of SOS1 (PM1; PMID 29493581). Computational prediction tools and conservation analysis suggest that the p.Arg552Gly variant may impact the protein (PP3). In summary, this variant meets criteria to be classified as pathogenic for RASopathies in an autosomal dominant manner. Rasopathy-specific ACMG/AMP criteria applied (PMID:29493581): PP2, PP3, PM1, PM2, PS3, PS2_VeryStrong.

CeGaT Center for Human Genetics Tuebingen
Classification: Pathogenic. Last evaluated: 2026-09-01. Review status: criteria provided, single submitter. Criteria: CeGaT Center For Human Genetics Tuebingen Variant Classification Criteria Version 2. Collection method: clinical testing. Allele origin: germline. Affected: yes. Observed: 3 variant alleles. Not counted in ClinVar's aggregate classification.
Comment: SOS1: PS2:Very Strong, PS4, PM2, PM5, PP3, PS3:Supporting

PreventionGenetics, part of Exact Sciences
Classification: Pathogenic for SOS1-related condition. Last evaluated: 2026-05-22. Review status: criteria provided, single submitter. Criteria: ACMG Guidelines, 2015. Collection method: clinical testing. Allele origin: germline. Not counted in ClinVar's aggregate classification.
Comment: The SOS1 c.1654A>G variant is predicted to result in the amino acid substitution p.Arg552Gly. This variant is known to be causative for Noonan syndrome (Tartaglia et al. 2007. PubMed ID: 17143282; Smith et al. 2013. PubMed ID: 23487764; Cho et al. 2017. PubMed ID: 28851938). This variant has been reported to have a gain of function effect and has been confirmed to have arisen de novo in multiple patients (see for example Tartaglia et al. 2007. PubMed ID: 17143282; Chinton et al. 2019. PubMed ID: 31560489). This variant is interpreted as pathogenic.

Victorian Clinical Genetics Services, Murdoch Childrens Research Institute
Classification: Pathogenic for Noonan syndrome 4. Last evaluated: 2026-03-03. Review status: criteria provided, single submitter. Criteria: ACMG Guidelines, 2015. Collection method: clinical testing. Allele origin: germline. Affected: yes. Not counted in ClinVar's aggregate classification.
Comment: This variant is classified as Pathogenic. Evidence in support of pathogenic classification: Variant is present in gnomAD <0.001 for a dominant condition (v4: 3 heterozygote(s), 0 homozygote(s)); This variant has strong previous evidence of pathogenicity in unrelated individuals. This variant has been classified as pathogenic by the ClinGen RASopathy Variant Curation Expert Panel (ClinVar); Variant is located in a hotspot region or cluster of PATHOGENIC variants (DECIPHER); Missense variant predicted to be damaging by in silico tool(s) or highly conserved with a major amino acid change. Additional information: Variant is predicted to result in a missense amino acid change from Arg to Gly; This variant is heterozygous; This gene is associated with autosomal dominant disease; Gain of function is a known mechanism of disease in this gene and is associated with Noonan syndrome 4 (MIM#610733) (PMID: 17143285).

Labcorp Genetics (formerly Invitae), Labcorp
Classification: Pathogenic for RASopathy. Last evaluated: 2026-01-07. Review status: criteria provided, single submitter. Criteria: Invitae Variant Classification Sherloc (09022015). Collection method: clinical testing. Allele origin: germline. Not counted in ClinVar's aggregate classification.
Comment: This sequence change replaces arginine, which is basic and polar, with glycine, which is neutral and non-polar, at codon 552 of the SOS1 protein (p.Arg552Gly). This variant is present in population databases (rs137852814, gnomAD 0.0009%). This missense change has been observed in individual(s) with Noonan syndrome (PMID: 17143282, 17143285, 17586837, 21387466). In at least one individual the variant was observed to be de novo. It has also been observed to segregate with disease in related individuals. ClinVar contains an entry for this variant (Variation ID: 12871). Invitae Evidence Modeling of protein sequence and biophysical properties (such as structural, functional, and spatial information, amino acid conservation, physicochemical variation, residue mobility, and thermodynamic stability) indicates that this missense variant is expected to disrupt SOS1 protein function with a positive predictive value of 95%. Experimental studies have shown that this missense change affects SOS1 function (PMID: 17143282, 17143285, 20493809, 23487764). This variant disrupts the p.Arg552 amino acid residue in SOS1. Other variant(s) that disrupt this residue have been determined to be pathogenic (PMID: 17143282, 19352411, 21387466, 22465605). This suggests that this residue is clinically significant, and that variants that disrupt this residue are likely to be disease-causing. For these reasons, this variant has been classified as Pathogenic.

Variantyx, Inc.
Classification: Pathogenic for Noonan syndrome 4. Last evaluated: 2025-12-17. Review status: criteria provided, single submitter. Criteria: Variantyx Assertion Criteria 2022. Collection method: clinical testing. Allele origin: de novo. Inheritance: Autosomal dominant inheritance. Affected: yes. Not counted in ClinVar's aggregate classification.
Comment: This is a nonsynonymous variant in the SOS1 gene (OMIM: 182530). Pathogenic variants in this gene have been associated with autosomal dominant Noonan syndrome 4. This variant likely occurred de novo in multiple affected individuals reported in the published literature and previous internal cases; however, the possibility of parental germline mosaicism cannot be excluded (PMID: 17143282, 17143285, 17586837) (PS2_Very_Strong). It has been also reported in at least 2 affected individuals with unknown inheritance status (PMID: 17143285) (PS4). Functional studies have shown that this variant alters SOS1 protein function (PMID: 17143282, 20493809) (PS3). This variant lies within a known hotspot for pathogenic variants or a well-established critical functional domain of the SOS1 protein (PMID: 29493581) (PM1), and multiple computational algorithms predict a deleterious effect for this variant (REVEL score: 0.921) (PP3). This variant has a 0.0003% maximum allele frequency in non-founder control populations. Other reputable laboratories have reported this variant as pathogenic or likely pathogenic, and this classification has been validated by an expert panel in ClinVar. Based on the current evidence, this variant is classified as pathogenic for autosomal dominant Noonan syndrome 4.

The Central Laboratory of Birth Defects Prevention and Control, The Affiliated Women and Children's Hospital of Ningbo University
Classification: Pathogenic for Noonan syndrome 4. Last evaluated: 2025-11-28. Review status: criteria provided, single submitter. Criteria: ACMG Guidelines, 2015. Collection method: clinical testing. Allele origin: maternal. Affected: yes. Not counted in ClinVar's aggregate classification.
Comment: The frequency of SOS1 c.1654A>G(p.Arg552Gly) is 3.985e-06 in the overall population and 0 in the East Asian population by the whole exome sequencing dataset of gnomAD database. This variant has been reported in at least 5 patients with Noonan Syndrome, among which 2 cases were de novo (PMID: 17143282, 35418823, 35418823, 19953625, 17586837). Functional studies have reported that this variant leads to enhanced activation of RAS and ERK (PMID: 17143282). Of note, several other variants at this position have been associated with disease (p.Arg552Ser, p.Arg552Ser, p.Arg552Lys). This variant has been reported in ClinVar as pathogenic (Accession: VCV000012871.88). Based on the available evidence, this vatriant is classified as pathogenic.

NM_005633.4(SOS1):c.1654A>G (p.Arg552Gly)

Gene: SOS1 (SOS Ras/Rac guanine nucleotide exchange factor 1; minus strand). Cytogenetic location: 2p22.1.
Variant type: single nucleotide variant.
Coding change: c.1654A>G on transcript NM_005633.4 (MANE Select); coding-DNA position 1654, A replaced by G.
Protein change: p.Arg552Gly; replaces arginine 552 with glycine.
Molecular consequence: missense variant.
Genome position (GRCh38, 1-based): chr2:39,022,774, T>C on the plus strand (A>G on the coding strand, the complement: SOS1 is on the minus strand). VCF-style: chr2-39022774-T-C. GRCh37 (hg19) VCF-style: chr2-39249915-T-C.
Other names: p.R552G:AGG>GGG; NM_005633.3(SOS1):c.1654A>G; c.1633A>G, p.Arg545Gly (NM_001382394.1); c.1654A>G, p.Arg552Gly (NM_001382395.1); short protein forms R552G, R545G.
Identifiers: ClinVar variation 12871 (VCV000012871.96), dbSNP rs137852814, ClinGen allele CA235350.
Genomic context (GRCh38, chr2:39,022,774, plus strand): 5'-CACTAGGCAGCCTCATCTGCTCCTCTTTCTCTTCCTGTAGCATTGTTACATCAAGCATCC[T>C]TTCCAGTGTACTCCGGTACTGTAAAGATATCAATGCTGCCATCCAATTGTTTTTCTCTTC-3'
Protein context (NP_005624.2, residues 542-562): ISLQYRSTLE[Arg552Gly]MLDVTMLQEE